The following is an entry in ClinVar:

ClinVar aggregate classification (germline): Pathogenic. Review status: criteria provided, multiple submitters, no conflicts (2 of 4 stars). 5 submissions from 5 submitters: Pathogenic (4). 1 of the submissions does not count toward it. Last evaluated 2025-08-11.

Conditions:
BBS7-related disorder. Also called: BBS7-related condition.
Bardet-Biedl syndrome 1/7, digenic. Identifiers: MedGen C4016435.
Bardet-Biedl syndrome (BBS). Identifiers: Orphanet 110, MedGen C0752166, MONDO:0015229.
Bardet-Biedl syndrome 7 (BBS7). Identifiers: Orphanet 110, MedGen C1859565, MONDO:0014435, OMIM 615984.

Allele frequency attached by ClinVar (database versions not stated): ExAC 0.00001; gnomAD exomes 0.00001 and 0.00002; gnomAD 0.00005 and 0.00006; TOPMed 0.00017.

Submissions (5):

PreventionGenetics, part of Exact Sciences
Classification: Pathogenic for BBS7-related condition. Last evaluated: 2025-08-11. Review status: criteria provided, single submitter. Criteria: ACMG Guidelines, 2015. Collection method: clinical testing. Allele origin: germline.
Comment: The BBS7 c.632C>T variant is predicted to result in the amino acid substitution p.Thr211Ile. This variant has been reported in the homozygous state in many individuals with Bardet-Biedl syndrome (Chen et al. 2011. PubMed ID: 21642631; Guardiola et al. 2021. PubMed ID: 34526762) and segregates with Bardet-Biedl syndrome in a large family (Badano et al. 2003. PubMed ID: 12567324). In vitro experimental studies suggest this variant impacts the ability of the BBS7 protein to form a complex with other BBS proteins (Zhang et al. 2013. PubMed ID: 23572516). This variant is reported in 0.00088% of alleles in individuals of European (Non-Finnish) descent in gnomAD. This variant is interpreted as pathogenic.

Labcorp Genetics (formerly Invitae), Labcorp
Classification: Pathogenic for Bardet-Biedl syndrome. Last evaluated: 2024-10-25. Review status: criteria provided, single submitter. Criteria: Invitae Variant Classification Sherloc (09022015). Collection method: clinical testing. Allele origin: germline.
Comment: This sequence change replaces threonine, which is neutral and polar, with isoleucine, which is neutral and non-polar, at codon 211 of the BBS7 protein (p.Thr211Ile). This variant is present in population databases (rs119466002, gnomAD 0.0009%). This missense change has been observed in individual(s) with Bardet-Biedl syndrome (PMID: 12567324, 21642631). It has also been observed to segregate with disease in related individuals. ClinVar contains an entry for this variant (Variation ID: 3016). Invitae Evidence Modeling of protein sequence and biophysical properties (such as structural, functional, and spatial information, amino acid conservation, physicochemical variation, residue mobility, and thermodynamic stability) indicates that this missense variant is expected to disrupt BBS7 protein function with a positive predictive value of 80%. Experimental studies have shown that this missense change affects BBS7 function (PMID: 20498079, 22500027, 23572516). For these reasons, this variant has been classified as Pathogenic.

Fulgent Genetics
Classification: Pathogenic for Bardet-Biedl syndrome 7. Last evaluated: 2022-05-27. Review status: criteria provided, single submitter. Criteria: ACMG Guidelines, 2015. Collection method: clinical testing. Allele origin: unknown.

Blueprint Genetics
Classification: Pathogenic for BBS7-related disorders. Last evaluated: 2021-10-11. Review status: criteria provided, single submitter. Criteria: ACMG Guidelines, 2015. Collection method: clinical testing. Allele origin: germline. Affected: yes. Observed: 2 variant alleles.

OMIM
Classification: Pathogenic for BARDET-BIEDL SYNDROME 1/7, DIGENIC. Last evaluated: 2003-03-01. Review status: no assertion criteria provided. Collection method: literature only. Allele origin: germline. Not counted in ClinVar's aggregate classification.

Literature cited by the submitters: PubMed 12567324 (cited by Labcorp Genetics (formerly Invitae), Labcorp and OMIM); PubMed 21642631 (cited by Labcorp Genetics (formerly Invitae), Labcorp); PubMed 20498079 (cited by Labcorp Genetics (formerly Invitae), Labcorp); PubMed 22500027 (cited by Labcorp Genetics (formerly Invitae), Labcorp); PubMed 23572516 (cited by Labcorp Genetics (formerly Invitae), Labcorp).

NM_176824.3(BBS7):c.632C>T (p.Thr211Ile)

Gene: BBS7 (Bardet-Biedl syndrome 7; minus strand). Cytogenetic location: 4q27.
Variant type: single nucleotide variant.
Coding change: c.632C>T on transcript NM_176824.3 (MANE Select); coding-DNA position 632, C replaced by T.
Protein change: p.Thr211Ile; replaces threonine 211 with isoleucine.
Molecular consequence: missense variant.
Genome position (GRCh38, 1-based): chr4:121,854,790, G>A on the plus strand (C>T on the coding strand, the complement: BBS7 is on the minus strand). VCF-style: chr4-121854790-G-A. GRCh37 (hg19) VCF-style: chr4-122775945-G-A.
Other names: c.632C>T, p.Thr211Ile (NM_018190.4); short protein forms T211I.
Identifiers: ClinVar variation 3016 (VCV000003016.14), dbSNP rs119466002, ClinGen allele CA252534.
Genomic context (GRCh38, chr4:121,854,790, plus strand): 5'-TCCCACTTGCGTACTGGTTTGGATGTAGTAATCTGTATAAGCGCAAGTTTTCCGTCTGAT[G>A]TCCCAAACAAAAGGTCTTCTCCAGAGTCACCTACTTATAATTAAAGTCAACATATTATAT-3'
Protein context (NP_789794.1, residues 201-221): GDSGEDLLFG[Thr211Ile]SDGKLALIQI